The following is an entry in ClinVar:

ClinVar aggregate classification (germline): Uncertain significance. Review status: criteria provided, multiple submitters, no conflicts (2 of 4 stars). 2 submissions from 2 submitters: Uncertain significance (2). Last evaluated 2025-06-28.

Conditions:
Cardiovascular phenotype. Identifiers: MedGen CN230736.

Allele frequency attached by ClinVar (database versions not stated): gnomAD exomes below 0.00001; gnomAD 0.00001; ExAC 0.00003; TOPMed 0.00003.
gnomAD v4.1: 3 of 1,606,034 alleles (0.00019%); highest among the groups gnomAD compares: Non-Finnish European, 0.00025%; no homozygotes.

Submissions (2):

Ambry Genetics
Classification: Uncertain significance for Cardiovascular phenotype. Last evaluated: 2025-06-28. Review status: criteria provided, single submitter. Criteria: Ambry Variant Classification Scheme 2023. Collection method: clinical testing. Allele origin: germline.
Comment: The p.Q47H variant (also known as c.141G>T), located in coding exon 2 of the APOA5 gene, results from a G to T substitution at nucleotide position 141. The glutamine at codon 47 is replaced by histidine, an amino acid with highly similar properties. This amino acid position is conserved. In addition, the in silico prediction for this alteration is inconclusive. Since supporting evidence is limited at this time, the clinical significance of this alteration remains unclear.

Labcorp Genetics (formerly Invitae), Labcorp
Classification: Uncertain significance. Last evaluated: 2022-06-08. Review status: criteria provided, single submitter. Criteria: Invitae Variant Classification Sherloc (09022015). Collection method: clinical testing. Allele origin: germline.
Comment: In summary, the available evidence is currently insufficient to determine the role of this variant in disease. Therefore, it has been classified as a Variant of Uncertain Significance. Algorithms developed to predict the effect of missense changes on protein structure and function are either unavailable or do not agree on the potential impact of this missense change (SIFT: "Deleterious"; PolyPhen-2: "Probably Damaging"; Align-GVGD: "Class C0"). This variant has not been reported in the literature in individuals affected with APOA5-related conditions. The frequency data for this variant in the population databases is considered unreliable, as metrics indicate poor data quality at this position in the gnomAD database. This sequence change replaces glutamine, which is neutral and polar, with histidine, which is basic and polar, at codon 47 of the APOA5 protein (p.Gln47His).

NM_001371904.1(APOA5):c.141G>T (p.Gln47His)

Genes: APOA5 (apolipoprotein A5; minus strand), LOC108491825 (enhancer-blocking element 11-1-2 overlapping APOA5; plus strand). Cytogenetic location: 11q23.3.
Variant type: single nucleotide variant.
Coding change: c.141G>T on transcript NM_001371904.1 (MANE Select); coding-DNA position 141, G replaced by T.
Protein change: p.Gln47His; replaces glutamine 47 with histidine.
Molecular consequence: missense variant.
Genome position (GRCh38, 1-based): chr11:116,791,606, C>A on the plus strand (G>T on the coding strand, the complement: APOA5 is on the minus strand). VCF-style: chr11-116791606-C-A. GRCh37 (hg19) VCF-style: chr11-116662322-C-A.
Other names: c.141G>T, p.Gln47His (NM_001166598.2, NM_052968.5); short protein forms Q47H.
Identifiers: ClinVar variation 1772233 (VCV001772233.8), dbSNP rs778942385, ClinGen allele CA6289153.